The following is an entry in ClinVar:

ClinVar aggregate classification (germline): Benign. Review status: criteria provided, single submitter (1 of 4 stars). 2 submissions from 2 submitters: Benign (1). 1 of the submissions does not count toward it. Last evaluated 2026-01-31.

Conditions:
RBFOX3-related disorder. Also called: RBFOX3-related condition.
Idiopathic generalized epilepsy. Also called: EIG; Generalised epilepsy. Identifiers: MedGen C0270850, MONDO:0005579, OMIM 600669.

Allele frequency attached by ClinVar (database versions not stated): gnomAD exomes 0.00106; ExAC 0.00204; gnomAD 0.00519; 1000 Genomes Project 0.00559; 1000 Genomes Project 30x 0.00593; ESP Exome Variant Server 0.00635; TOPMed 0.00673.
gnomAD v4.1: 1,521 of 1,550,510 alleles (0.098%); highest among the groups gnomAD compares: African/African-American, 1.9%; 15 homozygotes.

Submissions (2):

Labcorp Genetics (formerly Invitae), Labcorp
Classification: Benign for Idiopathic generalized epilepsy. Last evaluated: 2026-01-31. Review status: criteria provided, single submitter. Criteria: Invitae Variant Classification Sherloc (09022015). Collection method: clinical testing. Allele origin: germline.

PreventionGenetics, part of Exact Sciences
Classification: Benign for RBFOX3-related condition. Last evaluated: 2019-04-17. Review status: no assertion criteria provided. Collection method: clinical testing. Allele origin: germline. Not counted in ClinVar's aggregate classification.
Comment: This variant is classified as benign based on ACMG/AMP sequence variant interpretation guidelines (Richards et al. 2015 PMID: 25741868, with internal and published modifications).

NM_001350451.2(RBFOX3):c.998+9G>T

Gene: RBFOX3 (RNA binding fox-1 homolog 3; minus strand). Cytogenetic location: 17q25.3.
Variant type: single nucleotide variant.
Coding change: c.998+9G>T on transcript NM_001350451.2 (MANE Select); 9 bases into the intron after coding-DNA position 998, G replaced by T.
Molecular consequence: intron variant.
Genome position (GRCh38, 1-based): chr17:79,095,504, C>A on the plus strand (G>T on the coding strand, the complement: RBFOX3 is on the minus strand). VCF-style: chr17-79095504-C-A. GRCh37 (hg19) VCF-style: chr17-77091586-C-A.
Other names: c.998+9G>T (NM_001385807.1, NM_001385814.1, NM_001385818.1 and 14 more transcripts); c.857+9G>T (NM_001385838.1, NM_001385842.1, NM_001350453.2 and 16 more transcripts); c.854+9G>T (NM_001385846.1, NM_001385845.1, NM_001385843.1 and 1 more transcripts); c.995+9G>T (NM_001385822.1, NM_001385823.1, NM_001385806.1); c.905+9G>T (NM_001385824.1); c.878+9G>T (NM_001385827.1); c.710+9G>T (NM_001385847.1).
Identifiers: ClinVar variation 416625 (VCV000416625.14), dbSNP rs79080598, ClinGen allele CA8810224.